The following is an entry in ClinVar:

ClinVar aggregate classification (germline): Uncertain significance. Review status: criteria provided, multiple submitters, no conflicts (2 of 4 stars). 2 submissions from 2 submitters: Uncertain significance (2). Last evaluated 2024-01-10.

Allele frequency attached by ClinVar (database versions not stated): gnomAD 0.00001; TOPMed 0.00001; ExAC 0.00002; gnomAD exomes 0.00002.

Submissions (2):

GeneDx
Classification: Uncertain significance. Last evaluated: 2024-01-10. Review status: criteria provided, single submitter. Criteria: GeneDx Variant Classification Process June 2021. Collection method: clinical testing. Allele origin: germline. Affected: yes.
Comment: In silico analysis supports that this missense variant has a deleterious effect on protein structure/function; Has not been previously published as pathogenic or benign to our knowledge

Labcorp Genetics (formerly Invitae), Labcorp
Classification: Uncertain significance. Last evaluated: 2023-08-07. Review status: criteria provided, single submitter. Criteria: Invitae Variant Classification Sherloc (09022015). Collection method: clinical testing. Allele origin: germline.
Comment: This sequence change replaces aspartic acid, which is acidic and polar, with glycine, which is neutral and non-polar, at codon 607 of the MYO18B protein (p.Asp607Gly). This variant is present in population databases (rs754873902, gnomAD 0.01%). This variant has not been reported in the literature in individuals affected with MYO18B-related conditions. ClinVar contains an entry for this variant (Variation ID: 1480138). An algorithm developed to predict the effect of missense changes on protein structure and function (PolyPhen-2) suggests that this variant¬†is likely to be tolerated. In summary, the available evidence is currently insufficient to determine the role of this variant in disease. Therefore, it has been classified as a Variant of Uncertain Significance.

NM_032608.7(MYO18B):c.1820A>G (p.Asp607Gly)

Gene: MYO18B (myosin XVIIIB; plus strand). Cytogenetic location: 22q12.1.
Variant type: single nucleotide variant.
Coding change: c.1820A>G on transcript NM_032608.7 (MANE Select); coding-DNA position 1820, A replaced by G.
Protein change: p.Asp607Gly; replaces aspartic acid 607 with glycine.
Molecular consequence: missense variant.
Genome position (GRCh38, 1-based): chr22:25,772,461, A>G. VCF-style: chr22-25772461-A-G. GRCh37 (hg19) VCF-style: chr22-26168428-A-G.
Other names: c.1820A>G, p.Asp607Gly (NM_001318245.2); c.1820A>G (NM_032608.5); short protein forms D607G.
Identifiers: ClinVar variation 1480138 (VCV001480138.5), dbSNP rs754873902, ClinGen allele CA10159961.
Genomic context (GRCh38, chr22:25,772,461, plus strand): 5'-TCCTGAACACGCTTCTGCAGCGCTACAAAGCTCAGCTGCTGCACACCTGCACAGGGCCTG[A>G]TCTGATTGTCCTCCAGCCCCGGGGGCCCTCGGTGCCTTCTGCAGGGAAGGTGAGGTGGGA-3'
Protein context (NP_115997.5, residues 597-617): AQLLHTCTGP[Asp607Gly]LIVLQPRGPS